The following is an entry in ClinVar:

ClinVar aggregate classification (germline): Uncertain significance (1 of 4 stars; one submission).

Allele frequency attached by ClinVar (database versions not stated): ExAC 0.00001; gnomAD 0.00001; gnomAD exomes 0.00001; TOPMed 0.00001.
gnomAD v4.1: 5 of 1,614,008 alleles (0.00031%); highest among the groups gnomAD compares: Admixed American, 0.0083%; no homozygotes.

Submission:

Labcorp Genetics (formerly Invitae), Labcorp
Classification: Uncertain significance. Last evaluated: 2024-10-23. Review status: criteria provided, single submitter. Criteria: Invitae Variant Classification Sherloc (09022015). Collection method: clinical testing. Allele origin: germline.
Comment: This sequence change replaces threonine, which is neutral and polar, with alanine, which is neutral and non-polar, at codon 1097 of the TTC37 protein (p.Thr1097Ala). This variant is present in population databases (rs776592278, gnomAD 0.009%). This variant has not been reported in the literature in individuals affected with TTC37-related conditions. ClinVar contains an entry for this variant (Variation ID: 1910195). An algorithm developed to predict the effect of missense changes on protein structure and function outputs the following: PolyPhen-2: "Benign". The alanine amino acid residue is found in multiple mammalian species, which suggests that this missense change does not adversely affect protein function. In summary, the available evidence is currently insufficient to determine the role of this variant in disease. Therefore, it has been classified as a Variant of Uncertain Significance.

NM_014639.4(SKIC3):c.3289A>G (p.Thr1097Ala)

Gene: SKIC3 (SKI3 subunit of superkiller complex; minus strand). Cytogenetic location: 5q15.
Variant type: single nucleotide variant.
Coding change: c.3289A>G on transcript NM_014639.4 (MANE Select); coding-DNA position 3289, A replaced by G.
Protein change: p.Thr1097Ala; replaces threonine 1097 with alanine.
Molecular consequence: missense variant.
Genome position (GRCh38, 1-based): chr5:95,502,932, T>C on the plus strand (A>G on the coding strand, the complement: SKIC3 is on the minus strand). VCF-style: chr5-95502932-T-C. GRCh37 (hg19) VCF-style: chr5-94838636-T-C.
Other names: short protein forms T1097A.
Identifiers: ClinVar variation 1910195 (VCV001910195.3), dbSNP rs776592278, ClinGen allele CA3346783.